The following is an entry in ClinVar:

NM_181507.2(HPS5):c.1164+2T>G

Gene: HPS5 (HPS5 biogenesis of lysosomal organelles complex 2 subunit 2; minus strand). Cytogenetic location: 11p15.1.
Variant type: single nucleotide variant.
Coding change: c.1164+2T>G on transcript NM_181507.2 (MANE Select); the canonical splice donor site of the intron after coding-DNA position 1164, T replaced by G.
Molecular consequence: splice donor variant.
Genome position (GRCh38, 1-based): chr11:18,298,790, A>C on the plus strand (T>G on the coding strand, the complement: HPS5 is on the minus strand). VCF-style: chr11-18298790-A-C. GRCh37 (hg19) VCF-style: chr11-18320337-A-C.
Other names: c.750+2T>G (NM_001440929.1, NM_001440928.1, NM_001440927.1); c.822+2T>G (NM_181508.2, NM_001440921.1, NM_001440926.1 and 7 more transcripts); c.1053+2T>G (NM_001440915.1, NM_001440914.1, NM_001440913.1); c.1164+2T>G (NM_001440931.1, NM_001440917.1, NM_001440906.1 and 5 more transcripts); c.1089+2T>G (NM_001440907.1, NM_001440909.1, NM_001440908.1); c.951+2T>G (NM_001440919.1); c.978+2T>G (NM_001440918.1).
Identifiers: ClinVar variation 2826671 (VCV002826671.3), dbSNP rs932381652, ClinGen allele CA218543749.

ClinVar aggregate classification (germline): Likely pathogenic (1 of 4 stars; one submission).

Allele frequency attached by ClinVar (database versions not stated): gnomAD exomes below 0.00001.
gnomAD v4.1: 1 of 1,613,966 alleles (0.000062%); highest among the groups gnomAD compares: Non-Finnish European, 0.000085%; no homozygotes.

Submission:

Labcorp Genetics (formerly Invitae), Labcorp
Classification: Likely pathogenic. Last evaluated: 2023-01-06. Review status: criteria provided, single submitter. Criteria: Invitae Variant Classification Sherloc (09022015). Collection method: clinical testing. Allele origin: germline.
Comment: In summary, the currently available evidence indicates that the variant is pathogenic, but additional data are needed to prove that conclusively. Therefore, this variant has been classified as Likely Pathogenic. Algorithms developed to predict the effect of sequence changes on RNA splicing suggest that this variant may disrupt the consensus splice site. This variant has not been reported in the literature in individuals affected with HPS5-related conditions. This variant is not present in population databases (gnomAD no frequency). This sequence change affects a donor splice site in intron 10 of the HPS5 gene. It is expected to disrupt RNA splicing. Variants that disrupt the donor or acceptor splice site typically lead to a loss of protein function (PMID: 16199547), and loss-of-function variants in HPS5 are known to be pathogenic (PMID: 12548288, 15296495, 21833017, 26785811).

Literature cited by the submitters: PubMed 16199547; PubMed 12548288; PubMed 15296495; PubMed 21833017; PubMed 26785811.